The following is an entry in ClinVar:

ClinVar aggregate classification (germline): Uncertain significance (1 of 4 stars; one submission).

gnomAD v4.1: 8 of 1,613,646 alleles (0.0005%); highest among the groups gnomAD compares: East Asian, 0.0045%; no homozygotes.

Submission:

Ambry Genetics
Classification: Uncertain significance. Last evaluated: 2025-08-31. Review status: criteria provided, single submitter. Criteria: Ambry Variant Classification Scheme 2023. Collection method: clinical testing. Allele origin: germline.
Comment: The p.Q651R variant (also known as c.1952A>G), located in coding exon 10 of the ATRIP gene, results from an A to G substitution at nucleotide position 1952. The glutamine at codon 651 is replaced by arginine, an amino acid with highly similar properties. This amino acid position is conserved. In addition, this alteration is predicted to be tolerated by in silico analysis. Based on the available evidence, the clinical significance of this variant remains unclear.

NM_130384.3(ATRIP):c.1952A>G (p.Gln651Arg)

Genes: ATRIP (ATR interacting protein; plus strand), ATRIP-TREX1 (ATRIP-TREX1 readthrough; plus strand). Cytogenetic location: 3p21.31.
Variant type: single nucleotide variant.
Coding change: c.1952A>G on transcript NM_130384.3 (MANE Select); coding-DNA position 1952, A replaced by G.
Protein change: p.Gln651Arg; replaces glutamine 651 with arginine.
Molecular consequence: missense variant. On other transcripts: non-coding transcript variant (1).
Genome position (GRCh38, 1-based): chr3:48,464,110, A>G. VCF-style: chr3-48464110-A-G. GRCh37 (hg19) VCF-style: chr3-48505509-A-G.
Other names: c.1571A>G, p.Gln524Arg (NM_001271022.2); c.1673A>G, p.Gln558Arg (NM_001271023.2); c.1952A>G, p.Gln651Arg (NM_032166.4); short protein forms Q558R, Q524R, Q651R.
Identifiers: ClinVar variation 4182713 (VCV004182713.1).